The following is an entry in ClinVar:

NM_000135.4(FANCA):c.1615G>A (p.Asp539Asn)

Gene: FANCA (FA complementation group A; minus strand). Cytogenetic location: 16q24.3.
Variant type: single nucleotide variant.
Coding change: c.1615G>A on transcript NM_000135.4 (MANE Select); coding-DNA position 1615, G replaced by A.
Protein change: p.Asp539Asn; replaces aspartic acid 539 with asparagine.
Molecular consequence: missense variant.
Genome position (GRCh38, 1-based): chr16:89,782,870, C>T on the plus strand (G>A on the coding strand, the complement: FANCA is on the minus strand). VCF-style: chr16-89782870-C-T. GRCh37 (hg19) VCF-style: chr16-89849278-C-T.
Other names: c.1615G>A, p.Asp539Asn (NM_001286167.3); c.1615G>A (NM_000135.2); short protein forms D539N.
Identifiers: ClinVar variation 1013114 (VCV001013114.38), dbSNP rs2039767633, ClinGen allele CA397457936.

ClinVar aggregate classification (germline): Uncertain significance. Review status: criteria provided, multiple submitters, no conflicts (2 of 4 stars). 2 submissions from 2 submitters: Uncertain significance (2). Last evaluated 2025-12-12.

Conditions:
Inborn genetic diseases. Identifiers: MedGen C0950123, MeSH D030342.

gnomAD v4.1: 1 of 1,613,842 alleles (0.000062%); highest among the groups gnomAD compares: Non-Finnish European, 0.000085%; no homozygotes.

Submissions (2):

Ambry Genetics
Classification: Uncertain significance for Inborn genetic diseases. Last evaluated: 2025-12-12. Review status: criteria provided, single submitter. Criteria: Ambry Variant Classification Scheme 2023. Collection method: clinical testing. Allele origin: germline.
Comment: The p.D539N variant (also known as c.1615G>A), located in coding exon 17 of the FANCA gene, results from a G to A substitution at nucleotide position 1615. The aspartic acid at codon 539 is replaced by asparagine, an amino acid with highly similar properties. This amino acid position is conserved. In addition, this alteration is predicted to be tolerated by in silico analysis. Based on the available evidence, the clinical significance of this variant remains unclear.

CeGaT Center for Human Genetics Tuebingen
Classification: Uncertain significance. Last evaluated: 2020-10-01. Review status: criteria provided, single submitter. Criteria: CeGaT Center For Human Genetics Tuebingen Variant Classification Criteria Version 2. Collection method: clinical testing. Allele origin: germline. Affected: yes. Observed: 1 variant allele.